The following is an entry in ClinVar:

NM_001375524.1(TRRAP):c.1094A>G (p.Tyr365Cys)

Gene: TRRAP (transformation/transcription domain associated protein; plus strand). Cytogenetic location: 7q22.1.
Variant type: single nucleotide variant.
Coding change: c.1094A>G on transcript NM_001375524.1 (MANE Select); coding-DNA position 1094, A replaced by G.
Protein change: p.Tyr365Cys; replaces tyrosine 365 with cysteine.
Molecular consequence: missense variant.
Genome position (GRCh38, 1-based): chr7:98,906,234, A>G. VCF-style: chr7-98906234-A-G. GRCh37 (hg19) VCF-style: chr7-98503857-A-G.
Other names: c.1094A>G (NM_001244580.1); c.1094A>G, p.Tyr365Cys (NM_001244580.2, NM_003496.4); short protein forms Y365C.
Identifiers: ClinVar variation 3666299 (VCV003666299.3).

ClinVar aggregate classification (germline): Uncertain significance. Review status: criteria provided, multiple submitters, no conflicts (2 of 4 stars). 2 submissions from 2 submitters: Uncertain significance (2). Last evaluated 2025-02-19.

Conditions:
Inborn genetic diseases. Identifiers: MedGen C0950123, MeSH D030342.

gnomAD v4.1: 3 of 1,613,962 alleles (0.00019%); highest among the groups gnomAD compares: Non-Finnish European, 0.00025%; no homozygotes.

Submissions (2):

Ambry Genetics
Classification: Uncertain significance for Inborn genetic diseases. Last evaluated: 2025-02-19. Review status: criteria provided, single submitter. Criteria: Ambry Variant Classification Scheme 2023. Collection method: clinical testing. Allele origin: germline.

Labcorp Genetics (formerly Invitae), Labcorp
Classification: Uncertain significance. Last evaluated: 2024-11-28. Review status: criteria provided, single submitter. Criteria: Invitae Variant Classification Sherloc (09022015). Collection method: clinical testing. Allele origin: germline.
Comment: This sequence change replaces tyrosine, which is neutral and polar, with cysteine, which is neutral and slightly polar, at codon 365 of the TRRAP protein (p.Tyr365Cys). This variant is not present in population databases (gnomAD no frequency). This variant has not been reported in the literature in individuals affected with TRRAP-related conditions. Invitae Evidence Modeling of protein sequence and biophysical properties (such as structural, functional, and spatial information, amino acid conservation, physicochemical variation, residue mobility, and thermodynamic stability) indicates that this missense variant is not expected to disrupt TRRAP protein function with a negative predictive value of 80%. In summary, the available evidence is currently insufficient to determine the role of this variant in disease. Therefore, it has been classified as a Variant of Uncertain Significance.